The following is an entry in ClinVar:

ClinVar aggregate classification (germline): Uncertain significance (1 of 4 stars; one submission).

Conditions:
Cardiovascular phenotype. Identifiers: MedGen CN230736.

gnomAD v4.1: 3 of 1,549,240 alleles (0.00019%); highest among the groups gnomAD compares: Non-Finnish European, 0.00017%; no homozygotes.

Submission:

Ambry Genetics
Classification: Uncertain significance for Cardiovascular phenotype. Last evaluated: 2024-12-21. Review status: criteria provided, single submitter. Criteria: Ambry Variant Classification Scheme 2023. Collection method: clinical testing. Allele origin: germline.
Comment: The p.G2050R variant (also known as c.6148G>A), located in coding exon 2 of the ZNF469 gene, results from a G to A substitution at nucleotide position 6148. The glycine at codon 2050 is replaced by arginine, an amino acid with dissimilar properties. This amino acid position is conserved. In addition, this alteration is predicted to be tolerated by in silico analysis. Based on the available evidence, the clinical significance of this variant remains unclear.

NM_001367624.2(ZNF469):c.6232G>A (p.Gly2078Arg)

Gene: ZNF469 (zinc finger protein 469; plus strand). Cytogenetic location: 16q24.2.
Variant type: single nucleotide variant.
Coding change: c.6232G>A on transcript NM_001367624.2 (MANE Select); coding-DNA position 6232, G replaced by A.
Protein change: p.Gly2078Arg; replaces glycine 2078 with arginine.
Molecular consequence: missense variant.
Genome position (GRCh38, 1-based): chr16:88,433,702, G>A. VCF-style: chr16-88433702-G-A. GRCh37 (hg19) VCF-style: chr16-88500110-G-A.
Other names: NM_001127464.1:c.6148G>A; short protein forms G2078R.
Identifiers: ClinVar variation 3821095 (VCV003821095.1).